The following is an entry in ClinVar:

NM_001458.5(FLNC):c.4581-12C>T

Gene: FLNC (filamin C; plus strand). Cytogenetic location: 7q32.1.
Variant type: single nucleotide variant.
Coding change: c.4581-12C>T on transcript NM_001458.5 (MANE Select); 12 bases into the intron before coding-DNA position 4581, C replaced by T.
Molecular consequence: intron variant.
Genome position (GRCh38, 1-based): chr7:128,848,549, C>T. VCF-style: chr7-128848549-C-T. GRCh37 (hg19) VCF-style: chr7-128488603-C-T.
Other names: c.4581-12C>T (NM_001127487.2).
Identifiers: ClinVar variation 510867 (VCV000510867.6), dbSNP rs781742167, ClinGen allele CA4475395.

ClinVar aggregate classification (germline): Likely benign. Review status: criteria provided, multiple submitters, no conflicts (2 of 4 stars). 2 submissions from 2 submitters: Likely benign (2). Last evaluated 2025-11-17.

Conditions:
Myofibrillar myopathy 5. Also called: Filaminopathy (type); FILAMINOPATHY, AUTOSOMAL DOMINANT. Identifiers: Orphanet 171445, MedGen C1836050, MONDO:0012289, OMIM 609524.
Distal myopathy with posterior leg and anterior hand involvement. Also called: WILLIAMS DISTAL MYOPATHY. Identifiers: Orphanet 63273, MedGen C3279722, MONDO:0013550, OMIM 614065.
Hypertrophic cardiomyopathy 26. Also called: Cardiomyopathy, familial hypertrophic, 26. Identifiers: Orphanet 75249, MedGen C4310749, MONDO:0014883, OMIM 617047.

Allele frequency attached by ClinVar (database versions not stated): gnomAD exomes 0.00001; ExAC 0.00002.

Submissions (2):

Labcorp Genetics (formerly Invitae), Labcorp
Classification: Likely benign for Distal myopathy with posterior leg and anterior hand involvement; Myofibrillar myopathy 5; Hypertrophic cardiomyopathy 26. Last evaluated: 2025-11-17. Review status: criteria provided, single submitter. Criteria: Invitae Variant Classification Sherloc (09022015). Collection method: clinical testing. Allele origin: germline.

GeneDx
Classification: Likely benign. Last evaluated: 2017-07-19. Review status: criteria provided, single submitter. Criteria: GeneDx Variant Classification (06012015). Collection method: clinical testing. Allele origin: germline. Affected: yes.
Comment: This variant is considered likely benign or benign based on one or more of the following criteria: it is a conservative change, it occurs at a poorly conserved position in the protein, it is predicted to be benign by multiple in silico algorithms, and/or has population frequency not consistent with disease.